The following is an entry in ClinVar:

ClinVar aggregate classification (germline): Pathogenic (1 of 4 stars; one submission).

Conditions:
Ataxia-telangiectasia syndrome (AT). Also called: LOUIS-BAR SYNDROME; Ataxia telangiectasia (A-T); Cerebello-oculocutaneous telangiectasia; Immunodeficiency with ataxia telangiectasia; ATAXIA-TELANGIECTASIA, COMPLEMENTATION GROUP A; ATAXIA-TELANGIECTASIA, FRESNO VARIANT. Identifiers: Orphanet 100, MedGen C0004135, MONDO:0008840, OMIM 208900.

Submission:

Labcorp Genetics (formerly Invitae), Labcorp
Classification: Pathogenic for Ataxia-telangiectasia syndrome. Last evaluated: 2019-06-21. Review status: criteria provided, single submitter. Criteria: Invitae Variant Classification Sherloc (09022015). Collection method: clinical testing. Allele origin: germline.
Comment: This sequence change creates a premature translational stop signal (p.Ser646*) in the ATM gene. It is expected to result in an absent or disrupted protein product. This variant is not present in population databases (ExAC no frequency). This variant has not been reported in the literature in individuals with ATM-related conditions. Loss-of-function variants in ATM are known to be pathogenic (PMID: 23807571, 25614872). For these reasons, this variant has been classified as Pathogenic.

Literature cited by the submitters: PubMed 23807571; PubMed 25614872.

NM_000051.4(ATM):c.1937C>A (p.Ser646Ter)

Gene: ATM (ATM serine/threonine kinase; plus strand). Cytogenetic location: 11q22.3.
Variant type: single nucleotide variant.
Coding change: c.1937C>A on transcript NM_000051.4 (MANE Select); coding-DNA position 1937, C replaced by A.
Protein change: p.Ser646Ter; replaces serine 646 with a stop codon.
Molecular consequence: nonsense.
Genome position (GRCh38, 1-based): chr11:108,253,852, C>A. VCF-style: chr11-108253852-C-A. GRCh37 (hg19) VCF-style: chr11-108124579-C-A.
Other names: c.1937C>A, p.Ser646Ter (NM_001351834.2); short protein forms S646*.
Identifiers: ClinVar variation 952404 (VCV000952404.7), dbSNP rs1591534005, ClinGen allele CA382536579.